The following is an entry in ClinVar:

ClinVar aggregate classification (germline): Uncertain significance (1 of 4 stars; one submission).

Submission:

Labcorp Genetics (formerly Invitae), Labcorp
Classification: Uncertain significance. Last evaluated: 2020-01-22. Review status: criteria provided, single submitter. Criteria: Invitae Variant Classification Sherloc (09022015). Collection method: clinical testing. Allele origin: germline.
Comment: This variant has not been reported in the literature in individuals with TUBGCP6-related conditions. This variant is not present in population databases (ExAC no frequency). This sequence change replaces aspartic acid with glycine at codon 1818 of the TUBGCP6 protein (p.Asp1818Gly). The aspartic acid residue is moderately conserved and there is a moderate physicochemical difference between aspartic acid and glycine. In summary, the available evidence is currently insufficient to determine the role of this variant in disease. Therefore, it has been classified as a Variant of Uncertain Significance. Algorithms developed to predict the effect of missense changes on protein structure and function are either unavailable or do not agree on the potential impact of this missense change (SIFT: "Tolerated"; PolyPhen-2: "Possibly Damaging"; Align-GVGD: "Class C0").

NM_020461.4(TUBGCP6):c.5453A>G (p.Asp1818Gly)

Gene: TUBGCP6 (tubulin gamma complex component 6; minus strand). Cytogenetic location: 22q13.33.
Variant type: single nucleotide variant.
Coding change: c.5453A>G on transcript NM_020461.4 (MANE Select); coding-DNA position 5453, A replaced by G.
Protein change: p.Asp1818Gly; replaces aspartic acid 1818 with glycine.
Molecular consequence: missense variant.
Genome position (GRCh38, 1-based): chr22:50,217,743, T>C on the plus strand (A>G on the coding strand, the complement: TUBGCP6 is on the minus strand). VCF-style: chr22-50217743-T-C. GRCh37 (hg19) VCF-style: chr22-50656172-T-C.
Other names: short protein forms D1818G.
Identifiers: ClinVar variation 1044352 (VCV001044352.9), dbSNP rs2064438670, ClinGen allele CA412161110.
Genomic context (GRCh38, chr22:50,217,743, plus strand): 5'-TGCAGACAGGGTCCGAGAACACCTTTATTGTGCACGTCCCCCGCAGAGCAGCCTCAGGCG[T>C]CCTGGTAGTAGTTGTTGAAGTTGATGCGCAGCAGAAAGTCCTCCAGGTGGGGCTGGTAGC-3'
Protein context (NP_065194.3, residues 1808-1819): LRINFNNYYQ[Asp1818Gly]A